The following is an entry in ClinVar:

ClinVar aggregate classification (germline): Uncertain significance (1 of 4 stars; one submission).

gnomAD v4.1: 1 of 1,614,120 alleles (0.000062%); highest among the groups gnomAD compares: African/African-American, 0.0013%; no homozygotes.

Submission:

GeneDx
Classification: Uncertain significance. Last evaluated: 2025-03-04. Review status: criteria provided, single submitter. Criteria: GeneDx Variant Classification Process June 2021. Collection method: clinical testing. Allele origin: germline. Affected: yes.
Comment: Not observed at significant frequency in large population cohorts (gnomAD); In silico analysis supports that this missense variant has a deleterious effect on protein structure/function; Has not been previously published as pathogenic or benign to our knowledge

NM_182641.4(BPTF):c.5942A>G (p.Asn1981Ser)

Gene: BPTF (bromodomain PHD finger transcription factor; plus strand). Cytogenetic location: 17q24.2.
Variant type: single nucleotide variant.
Coding change: c.5942A>G on transcript NM_182641.4 (MANE Select); coding-DNA position 5942, A replaced by G.
Protein change: p.Asn1981Ser; replaces asparagine 1981 with serine.
Molecular consequence: missense variant.
Genome position (GRCh38, 1-based): chr17:67,928,545, A>G. VCF-style: chr17-67928545-A-G. GRCh37 (hg19) VCF-style: chr17-65924661-A-G.
Other names: c.6131A>G, p.Asn2044Ser (NM_001439139.1, NM_001439141.1, NM_001439143.1 and 1 more transcripts); c.6320A>G, p.Asn2107Ser (NM_001439140.1, NM_001439142.1, NM_004459.7); short protein forms N1981S, N2044S, N2107S.
Identifiers: ClinVar variation 4082725 (VCV004082725.1).
Genomic context (GRCh38, chr17:67,928,545, plus strand): 5'-GAACCAAAATGGTACTAACTACTAAAGTTGGATCTCCAGCTACAGTAACATTCCAACAAA[A>G]CAAGAACTTTCATCAAACCTTTGCTACATGGGTTAAGCAAGGCCAGTCAAATTCAGGTAT-3'
Protein context (NP_872579.2, residues 1971-1991): GSPATVTFQQ[Asn1981Ser]KNFHQTFATW